The following is an entry in ClinVar:

NM_005228.5(EGFR):c.1610A>G (p.Asp537Gly)

Gene: EGFR (epidermal growth factor receptor; plus strand). Cytogenetic location: 7p11.2.
Variant type: single nucleotide variant.
Coding change: c.1610A>G on transcript NM_005228.5 (MANE Select); coding-DNA position 1610, A replaced by G.
Protein change: p.Asp537Gly; replaces aspartic acid 537 with glycine.
Molecular consequence: missense variant.
Genome position (GRCh38, 1-based): chr7:55,161,610, A>G. VCF-style: chr7-55161610-A-G. GRCh37 (hg19) VCF-style: chr7-55229303-A-G.
Other names: c.1475A>G, p.Asp492Gly (NM_001346899.2, NM_001346897.2); c.1451A>G, p.Asp484Gly (NM_001346900.2); c.809A>G, p.Asp270Gly (NM_001346941.2); c.1610A>G, p.Asp537Gly (NM_201282.2, NM_201284.2, NM_001346898.2); short protein forms D484G, D537G, D270G, D492G.
Identifiers: ClinVar variation 5035736 (VCV005035736.1).

ClinVar aggregate classification (germline): Uncertain significance (1 of 4 stars; one submission).

Conditions:
Hereditary cancer-predisposing syndrome. Also called: Hereditary Cancer Syndrome; Neoplastic Syndromes, Hereditary; Tumor predisposition; Hereditary neoplastic syndrome. Identifiers: Orphanet 140162, MedGen C0027672, MeSH D009386, MONDO:0015356.

Submission:

Ambry Genetics
Classification: Uncertain significance for Hereditary cancer-predisposing syndrome. Last evaluated: 2026-08-24. Review status: criteria provided, single submitter. Criteria: Ambry Variant Classification Scheme 2023. Collection method: clinical testing. Allele origin: germline.
Comment: The p.D537G variant (also known as c.1610A>G), located in coding exon 13 of the EGFR gene, results from an A to G substitution at nucleotide position 1610. The aspartic acid at codon 537 is replaced by glycine, an amino acid with similar properties. This amino acid position is not well conserved in available vertebrate species. In addition, this alteration is predicted to be tolerated by in silico analysis. Based on the available evidence, the clinical significance of this variant remains unclear.